The following is an entry in ClinVar:

ClinVar aggregate classification (germline): Uncertain significance (1 of 4 stars; one submission).

Conditions:
Hereditary cancer-predisposing syndrome. Also called: Neoplastic Syndromes, Hereditary; Tumor predisposition; Hereditary neoplastic syndrome; Hereditary Cancer Syndrome. Identifiers: Orphanet 140162, MedGen C0027672, MeSH D009386, MONDO:0015356.

Submission:

Ambry Genetics
Classification: Uncertain significance for Hereditary cancer-predisposing syndrome. Last evaluated: 2026-06-16. Review status: criteria provided, single submitter. Criteria: Ambry Variant Classification Scheme 2023. Collection method: clinical testing. Allele origin: germline.
Comment: The p.P351S variant (also known as c.1051C>T), located in coding exon 12 of the CDC73 gene, results from a C to T substitution at nucleotide position 1051. The proline at codon 351 is replaced by serine, an amino acid with similar properties. This amino acid position is conserved. In addition, this alteration is predicted to be tolerated by in silico analysis. Based on the available evidence, the clinical significance of this variant remains unclear.

NM_024529.5(CDC73):c.1051C>T (p.Pro351Ser)

Gene: CDC73 (cell division cycle 73; plus strand). Cytogenetic location: 1q31.2.
Variant type: single nucleotide variant.
Coding change: c.1051C>T on transcript NM_024529.5 (MANE Select); coding-DNA position 1051, C replaced by T.
Protein change: p.Pro351Ser; replaces proline 351 with serine.
Molecular consequence: missense variant.
Genome position (GRCh38, 1-based): chr1:193,212,085, C>T. VCF-style: chr1-193212085-C-T. GRCh37 (hg19) VCF-style: chr1-193181215-C-T.
Other names: short protein forms P351S.
Identifiers: ClinVar variation 5033831 (VCV005033831.1).